The following is an entry in ClinVar:

ClinVar aggregate classification (germline): Uncertain significance. Review status: criteria provided, multiple submitters, no conflicts (2 of 4 stars). 3 submissions from 3 submitters: Uncertain significance (3). Last evaluated 2025-10-16.

Conditions:
FOCAD-related disorder. Also called: FOCAD-related condition.
Inborn genetic diseases. Identifiers: MedGen C0950123, MeSH D030342.

gnomAD v4.1: 140 of 1,613,886 alleles (0.0087%); highest among the groups gnomAD compares: Non-Finnish European, 0.012%; no homozygotes.

Submissions (3):

Labcorp Genetics (formerly Invitae), Labcorp
Classification: Uncertain significance. Last evaluated: 2025-10-16. Review status: criteria provided, single submitter. Criteria: Invitae Variant Classification Sherloc (09022015). Collection method: clinical testing. Allele origin: germline.
Comment: This sequence change replaces valine, which is neutral and non-polar, with leucine, which is neutral and non-polar, at codon 971 of the FOCAD protein (p.Val971Leu). This variant is present in population databases (rs141111974, gnomAD 0.007%). This variant has not been reported in the literature in individuals affected with FOCAD-related conditions. ClinVar contains an entry for this variant (Variation ID: 3851132). Experimental studies and prediction algorithms are not available or were not evaluated, and the functional significance of this variant is currently unknown. In summary, the available evidence is currently insufficient to determine the role of this variant in disease. Therefore, it has been classified as a Variant of Uncertain Significance.

Ambry Genetics
Classification: Uncertain significance for Inborn genetic diseases. Last evaluated: 2025-02-25. Review status: criteria provided, single submitter. Criteria: Ambry Variant Classification Scheme 2023. Collection method: clinical testing. Allele origin: germline.

PreventionGenetics, part of Exact Sciences
Classification: Uncertain significance for FOCAD-related condition. Last evaluated: 2024-10-18. Review status: criteria provided, single submitter. Criteria: ACMG Guidelines, 2015. Collection method: clinical testing. Allele origin: germline.
Comment: The FOCAD c.2911G>T variant is predicted to result in the amino acid substitution p.Val971Leu. To our knowledge, this variant has not been reported in the literature. This variant is reported in 0.0077% of alleles in individuals of European (Non-Finnish) descent in gnomAD. At this time, the clinical significance of this variant is uncertain due to the absence of conclusive functional and genetic evidence.

NM_001375567.1(FOCAD):c.2911G>T (p.Val971Leu)

Gene: FOCAD (focadhesin; plus strand). Cytogenetic location: 9p21.3.
Variant type: single nucleotide variant.
Coding change: c.2911G>T on transcript NM_001375567.1 (MANE Select); coding-DNA position 2911, G replaced by T.
Protein change: p.Val971Leu; replaces valine 971 with leucine.
Molecular consequence: missense variant.
Genome position (GRCh38, 1-based): chr9:20,923,718, G>T. VCF-style: chr9-20923718-G-T. GRCh37 (hg19) VCF-style: chr9-20923717-G-T.
Other names: c.2806G>T, p.Val936Leu (NM_001375568.1, NM_001375570.1); c.2911G>T, p.Val971Leu (NM_017794.5); c.2911G>T (NM_017794.4); short protein forms V936L, V971L.
Identifiers: ClinVar variation 3851132 (VCV003851132.3).